The following is an entry in ClinVar:

ClinVar aggregate classification (germline): Pathogenic. Review status: criteria provided, single submitter (1 of 4 stars). 2 submissions from 2 submitters: Pathogenic (1). 1 of the submissions does not count toward it. Last evaluated 2024-10-13.

Conditions:
Hereditary cancer-predisposing syndrome. Also called: Hereditary neoplastic syndrome; Tumor predisposition; Neoplastic Syndromes, Hereditary; Hereditary Cancer Syndrome. Identifiers: Orphanet 140162, MedGen C0027672, MeSH D009386, MONDO:0015356.
Cardiovascular phenotype. Identifiers: MedGen CN230736.
Neurofibromatosis, type 1 (NF1). Also called: Neurofibromatosis, type I; NEUROFIBROMATOSIS, TYPE I, SOMATIC; Peripheral type neurofibromatosis; VON RECKLINGHAUSEN DISEASE. Identifiers: Orphanet 636, MedGen C0027831, MONDO:0018975, OMIM 162200. Disease mechanism: loss of function.

Submissions (2):

Ambry Genetics
Classification: Pathogenic for Cardiovascular phenotype; Hereditary cancer-predisposing syndrome. Last evaluated: 2024-10-13. Review status: criteria provided, single submitter. Criteria: Ambry Variant Classification Scheme 2023. Collection method: clinical testing. Allele origin: germline.
Comment: The c.3732dupT pathogenic mutation, located in coding exon 28 of the NF1 gene, results from a duplication of T at nucleotide position 3732, causing a translational frameshift with a predicted alternate stop codon (p.T1245Yfs*4). This variant was reported in an individual with features consistent with neurofibromatosis type 1 (Bonatti F et al. Int J Mol Sci. 2017 Sep;18:). This variant is considered to be rare based on population cohorts in the Genome Aggregation Database (gnomAD). This alteration is expected to result in loss of function by premature protein truncation or nonsense-mediated mRNA decay. As such, this alteration is interpreted as a disease-causing mutation.

Medical Genetics, University of Parma
Classification: Pathogenic for Neurofibromatosis type 1. Last evaluated: 2017-02-02. Review status: no assertion criteria provided. Collection method: clinical testing. Allele origin: germline. Affected: yes. Not counted in ClinVar's aggregate classification.

Literature cited by the submitters: PubMed 28961165 (cited by Ambry Genetics).

NM_001042492.3(NF1):c.3732dup (p.Thr1245fs)

Gene: NF1 (neurofibromin 1; plus strand). Cytogenetic location: 17q11.2.
Variant type: Duplication.
Coding change: c.3732dup on transcript NM_001042492.3 (MANE Select); coding-DNA position 3732, one base duplicated (T; older notation c.3732dupT).
Protein change: p.Thr1245fs; shifts the reading frame from threonine 1245.
Molecular consequence: frameshift variant.
Genome position (GRCh38, 1-based): chr17:31,235,634, T duplicated; the last of 2 consecutive T bases (chr17:31,235,633-31,235,634); duplicating either gives the same sequence. VCF-style (leftmost placement, unchanged base first): chr17-31235632-G-GT. GRCh37 (hg19) VCF-style: chr17-29562650-G-GT.
Other names: c.3732dupT (NM_000267.3); c.3732dup, p.Thr1245Tyrfs (NM_000267.4); short protein forms T1245fs.
Identifiers: ClinVar variation 431629 (VCV000431629.2), dbSNP rs1135402849, ClinGen allele CA645373122.